The following is an entry in ClinVar:

NM_001655.5(ARCN1):c.935G>A (p.Arg312Gln)

Gene: ARCN1 (archain 1 coat protein complex I subunit delta; plus strand). Cytogenetic location: 11q23.3.
Variant type: single nucleotide variant.
Coding change: c.935G>A on transcript NM_001655.5 (MANE Select); coding-DNA position 935, G replaced by A.
Protein change: p.Arg312Gln; replaces arginine 312 with glutamine.
Molecular consequence: missense variant.
Genome position (GRCh38, 1-based): chr11:118,590,457, G>A. VCF-style: chr11-118590457-G-A. GRCh37 (hg19) VCF-style: chr11-118461172-G-A.
Other names: c.671G>A, p.Arg224Gln (NM_001142281.2); short protein forms R224Q, R312Q.
Identifiers: ClinVar variation 718666 (VCV000718666.13), dbSNP rs138250193, ClinGen allele CA6306174.

ClinVar aggregate classification (germline): Benign/Likely benign. Review status: criteria provided, multiple submitters, no conflicts (2 of 4 stars). 3 submissions from 3 submitters: Benign (1); Likely benign (1). 1 of the submissions does not count toward it. Last evaluated 2026-01-07.

Conditions:
ARCN1-related disorder. Also called: ARCN1-related condition.

Allele frequency attached by ClinVar (database versions not stated): ESP Exome Variant Server 0.00062; gnomAD 0.00081 and 0.00088; TOPMed 0.00083; gnomAD exomes 0.00093 and 0.00149; 1000 Genomes Project 30x 0.00156; 1000 Genomes Project 0.00160; ExAC 0.00178.
gnomAD v4.1: 1,525 of 1,614,150 alleles (0.094%); highest among the groups gnomAD compares: East Asian, 0.9%; 4 homozygotes.

Submissions (3):

Labcorp Genetics (formerly Invitae), Labcorp
Classification: Benign. Last evaluated: 2026-01-07. Review status: criteria provided, single submitter. Criteria: Invitae Variant Classification Sherloc (09022015). Collection method: clinical testing. Allele origin: germline.

Blueprint Genetics
Classification: Likely benign. Last evaluated: 2024-11-27. Review status: criteria provided, single submitter. Criteria: ACMG Guidelines, 2015. Collection method: clinical testing. Allele origin: germline.

PreventionGenetics, part of Exact Sciences
Classification: Benign for ARCN1-related condition. Last evaluated: 2024-08-13. Review status: no assertion criteria provided. Collection method: clinical testing. Allele origin: germline. Not counted in ClinVar's aggregate classification.
Comment: This variant is classified as benign based on ACMG/AMP sequence variant interpretation guidelines (Richards et al. 2015 PMID: 25741868, with internal and published modifications).